The following is an entry in ClinVar:

ClinVar aggregate classification (germline): Uncertain significance (1 of 4 stars; one submission).

Submission:

Labcorp Genetics (formerly Invitae), Labcorp
Classification: Uncertain significance. Last evaluated: 2024-05-12. Review status: criteria provided, single submitter. Criteria: Invitae Variant Classification Sherloc (09022015). Collection method: clinical testing. Allele origin: germline.
Comment: This sequence change replaces arginine, which is basic and polar, with leucine, which is neutral and non-polar, at codon 807 of the A2ML1 protein (p.Arg807Leu). This variant is not present in population databases (gnomAD no frequency). This variant has not been reported in the literature in individuals affected with A2ML1-related conditions. Algorithms developed to predict the effect of missense changes on protein structure and function output the following: SIFT: "Not Available"; PolyPhen-2: "Benign"; Align-GVGD: "Not Available". The leucine amino acid residue is found in multiple mammalian species, which suggests that this missense change does not adversely affect protein function. In summary, the available evidence is currently insufficient to determine the role of this variant in disease. Therefore, it has been classified as a Variant of Uncertain Significance.

NM_144670.6(A2ML1):c.2420G>T (p.Arg807Leu)

Gene: A2ML1 (alpha-2-macroglobulin like 1; plus strand). Cytogenetic location: 12p13.31.
Variant type: single nucleotide variant.
Coding change: c.2420G>T on transcript NM_144670.6 (MANE Select); coding-DNA position 2420, G replaced by T.
Protein change: p.Arg807Leu; replaces arginine 807 with leucine.
Molecular consequence: missense variant.
Genome position (GRCh38, 1-based): chr12:8,851,969, G>T. VCF-style: chr12-8851969-G-T. GRCh37 (hg19) VCF-style: chr12-9004565-G-T.
Other names: c.947G>T, p.Arg316Leu (NM_001282424.3); short protein forms R316L, R807L.
Identifiers: ClinVar variation 3699875 (VCV003699875.2).